The following is an entry in ClinVar:

NM_016180.5(SLC45A2):c.823A>T (p.Lys275Ter)

Gene: SLC45A2 (solute carrier family 45 member 2; minus strand). Cytogenetic location: 5p13.2.
Variant type: single nucleotide variant.
Coding change: c.823A>T on transcript NM_016180.5 (MANE Select); coding-DNA position 823, A replaced by T.
Protein change: p.Lys275Ter; replaces lysine 275 with a stop codon.
Molecular consequence: nonsense. On other transcripts: intron variant (1).
Genome position (GRCh38, 1-based): chr5:33,963,756, T>A on the plus strand (A>T on the coding strand, the complement: SLC45A2 is on the minus strand). VCF-style: chr5-33963756-T-A. GRCh37 (hg19) VCF-style: chr5-33963861-T-A.
Other names: c.823A>T, p.Lys275Ter (NM_001012509.4); c.563-9252A>T (NM_001297417.4); short protein forms K275*.
Identifiers: ClinVar variation 2703404 (VCV002703404.3), dbSNP rs2478839380, ClinGen allele CA359393211.

ClinVar aggregate classification (germline): Pathogenic (1 of 4 stars; one submission).

Submission:

Labcorp Genetics (formerly Invitae), Labcorp
Classification: Pathogenic. Last evaluated: 2023-12-15. Review status: criteria provided, single submitter. Criteria: Invitae Variant Classification Sherloc (09022015). Collection method: clinical testing. Allele origin: germline.
Comment: This sequence change creates a premature translational stop signal (p.Lys275*) in the SLC45A2 gene. It is expected to result in an absent or disrupted protein product. Loss-of-function variants in SLC45A2 are known to be pathogenic (PMID: 21458243, 26573111). This variant is not present in population databases (gnomAD no frequency). This variant has not been reported in the literature in individuals affected with SLC45A2-related conditions. For these reasons, this variant has been classified as Pathogenic.

Literature cited by the submitters: PubMed 21458243; PubMed 26573111.